The following is an entry in ClinVar:

NM_001273.5(CHD4):c.4671C>T (p.Val1557=)

Genes: CHD4 (chromodomain helicase DNA binding protein 4; minus strand), CHD4-AS1 (CHD4 antisense RNA 1; plus strand). Cytogenetic location: 12p13.31.
Variant type: single nucleotide variant.
Coding change: c.4671C>T on transcript NM_001273.5 (MANE Select); coding-DNA position 4671, C replaced by T.
Protein change: p.Val1557=; no amino-acid change (valine 1557 retained).
Molecular consequence: synonymous variant.
Genome position (GRCh38, 1-based): chr12:6,581,659, G>A on the plus strand (C>T on the coding strand, the complement: CHD4 is on the minus strand). VCF-style: chr12-6581659-G-A. GRCh37 (hg19) VCF-style: chr12-6690825-G-A.
Other names: c.4650C>T, p.Val1550= (NM_001297553.2); c.4632C>T, p.Val1544= (NM_001363606.2).
Identifiers: ClinVar variation 4874317 (VCV004874317.2).
Genomic context (GRCh38, chr12:6,581,659, plus strand): 5'-GGCCAGGACAAAAAGAGAGGGACAGAAAATGATAGGACAGGCAGACTTACCAGCAGGTGG[G>A]ACAGGTGCAGGAGTGTTGGGCTGCGTGTCCCCTGGAGTGGAGGGTGTAGGAGTTTTTGGG-3'
Protein context (NP_001264.2, residues 1547-1567): GDTQPNTPAP[Val1557=]PPAEDGIKIE

ClinVar aggregate classification (germline): Likely benign (1 of 4 stars; one submission).

gnomAD v4.1: 3 of 1,613,516 alleles (0.00019%); highest among the groups gnomAD compares: South Asian, 0.0011%; no homozygotes.

Submission:

CeGaT Center for Human Genetics Tuebingen
Classification: Likely benign. Last evaluated: 2026-06-01. Review status: criteria provided, single submitter. Criteria: CeGaT Center For Human Genetics Tuebingen Variant Classification Criteria Version 2. Collection method: clinical testing. Allele origin: germline. Affected: yes. Observed: 1 variant allele.
Comment: CHD4: BP4, BP7